The following is an entry in ClinVar:

NM_199420.4(POLQ):c.307G>A (p.Gly103Arg)

Gene: POLQ (DNA polymerase theta; minus strand). Cytogenetic location: 3q13.33.
Variant type: single nucleotide variant.
Coding change: c.307G>A on transcript NM_199420.4 (MANE Select); coding-DNA position 307, G replaced by A.
Protein change: p.Gly103Arg; replaces glycine 103 with arginine.
Molecular consequence: missense variant.
Genome position (GRCh38, 1-based): chr3:121,544,763, C>T on the plus strand (G>A on the coding strand, the complement: POLQ is on the minus strand). VCF-style: chr3-121544763-C-T. GRCh37 (hg19) VCF-style: chr3-121263610-C-T.
Other names: short protein forms G103R.
Identifiers: ClinVar variation 1727355 (VCV001727355.2), dbSNP rs1218184995, ClinGen allele CA354094351.

ClinVar aggregate classification (germline): Uncertain significance (1 of 4 stars; one submission).

Allele frequency attached by ClinVar (database versions not stated): TOPMed below 0.00001.

Submission:

Ambry Genetics
Classification: Uncertain significance. Last evaluated: 2022-09-18. Review status: criteria provided, single submitter. Criteria: Ambry Variant Classification Scheme 2023. Collection method: clinical testing. Allele origin: germline.
Comment: The p.G103R variant (also known as c.307G>A), located in coding exon 2 of the POLQ gene, results from a G to A substitution at nucleotide position 307. The glycine at codon 103 is replaced by arginine, an amino acid with dissimilar properties. This amino acid position is conserved. In addition, the in silico prediction for this alteration is inconclusive. Since supporting evidence is limited at this time, the clinical significance of this alteration remains unclear.